The following is an entry in ClinVar:

NM_000159.4(GCDH):c.896G>A (p.Trp299Ter)

Gene: GCDH (glutaryl-CoA dehydrogenase; plus strand). Cytogenetic location: 19p13.13.
Variant type: single nucleotide variant.
Coding change: c.896G>A on transcript NM_000159.4 (MANE Select); coding-DNA position 896, G replaced by A.
Protein change: p.Trp299Ter; replaces tryptophan 299 with a stop codon.
Molecular consequence: nonsense. On other transcripts: non-coding transcript variant (2).
Genome position (GRCh38, 1-based): chr19:12,896,953, G>A. VCF-style: chr19-12896953-G-A. GRCh37 (hg19) VCF-style: chr19-13007767-G-A.
Other names: c.896G>A (NM_000159.3); c.896G>A, p.Trp299Ter (NM_013976.5); short protein forms W299*.
Identifiers: ClinVar variation 813441 (VCV000813441.8), dbSNP rs1599616676, ClinGen allele CA404319422.
Genomic context (GRCh38, chr19:12,896,953, plus strand): 5'-CCATCTCAACCCTACAGGGTCCCTTCGGCTGCCTGAACAACGCCCGGTACGGCATCGCGT[G>A]GGGCGTGCTTGGAGCTTCGGAGTTCTGCTTGCACACAGCCCGGCAGTACGCCCTCGACAG-3'

ClinVar aggregate classification (germline): Pathogenic/Likely pathogenic. Review status: criteria provided, multiple submitters, no conflicts (2 of 4 stars). 2 submissions from 2 submitters: Pathogenic (1); Likely pathogenic (1). Last evaluated 2025-08-20.

Conditions:
Glutaric aciduria, type 1. Also called: Glutaricaciduria, type I; Glutaric Acidemia Type 1; Glutaryl-CoA dehydrogenase deficiency; Glutaric acidemia type I; Glutaricacidemia Type 1; GA I. Identifiers: Orphanet 25, MedGen C0268595, MONDO:0009281, OMIM 231670.

Submissions (2):

Natera, Inc.
Classification: Likely pathogenic for Glutaric acidemia type 1. Last evaluated: 2025-08-20. Review status: criteria provided, single submitter. Criteria: Natera Variant Classification Schema (03/2026). Collection method: clinical testing. Allele origin: germline.
Comment: The c.896G>A variant in GCDH is a nonsense variant predicted to introduce a stop codon at amino acid 299. This variant is expected to result in nonsense mediated decay, truncation, or a dysfunctional protein product. This variant is rare in the general population with a frequency below the threshold expected for the associated phenotype(s). Given the available evidence, this variant is classified as Likely Pathogenic.

Labcorp Genetics (formerly Invitae), Labcorp
Classification: Pathogenic for Glutaric aciduria, type 1. Last evaluated: 2025-06-17. Review status: criteria provided, single submitter. Criteria: Invitae Variant Classification Sherloc (09022015). Collection method: clinical testing. Allele origin: germline.
Comment: This sequence change creates a premature translational stop signal (p.Trp299*) in the GCDH gene. It is expected to result in an absent or disrupted protein product. Loss-of-function variants in GCDH are known to be pathogenic (PMID: 10699052, 11854167, 16602100). This variant is not present in population databases (gnomAD no frequency). This variant has not been reported in the literature in individuals affected with GCDH-related conditions. ClinVar contains an entry for this variant (Variation ID: 813441). For these reasons, this variant has been classified as Pathogenic.

Literature cited by the submitters: PubMed 10699052 (cited by Labcorp Genetics (formerly Invitae), Labcorp); PubMed 11854167 (cited by Labcorp Genetics (formerly Invitae), Labcorp); PubMed 16602100 (cited by Labcorp Genetics (formerly Invitae), Labcorp).